The following is an entry in ClinVar:

ClinVar aggregate classification (germline): Uncertain significance. Review status: criteria provided, multiple submitters, no conflicts (2 of 4 stars). 3 submissions from 3 submitters: Uncertain significance (3). Last evaluated 2022-06-03.

Conditions:
Glycogen storage disease, type II (IOPD). Also called: POMPE DISEASE, INFANTILE-ONSET; GLYCOGEN STORAGE DISEASE II, INFANTILE-ONSET; ACID ALPHA-GLUCOSIDASE DEFICIENCY, INFANTILE-ONSET; GAA DEFICIENCY, INFANTILE-ONSET; ACID MALTASE DEFICIENCY, INFANTILE-ONSET; CARDIOMEGALIA GLYCOGENICA DIFFUSA. Identifiers: Orphanet 365, MedGen C0017921, MONDO:0009290, OMIM 232300.

Submissions (3):

Labcorp Genetics (formerly Invitae), Labcorp
Classification: Uncertain significance for Glycogen storage disease, type II. Last evaluated: 2022-06-03. Review status: criteria provided, single submitter. Criteria: Invitae Variant Classification Sherloc (09022015). Collection method: clinical testing. Allele origin: germline.
Comment: This sequence change replaces phenylalanine, which is neutral and non-polar, with leucine, which is neutral and non-polar, at codon 564 of the GAA protein (p.Phe564Leu). This variant is not present in population databases (gnomAD no frequency). This variant has not been reported in the literature in individuals affected with GAA-related conditions. ClinVar contains an entry for this variant (Variation ID: 288763). Advanced modeling of protein sequence and biophysical properties (such as structural, functional, and spatial information, amino acid conservation, physicochemical variation, residue mobility, and thermodynamic stability) performed at Invitae indicates that this missense variant is not expected to disrupt GAA protein function. In summary, the available evidence is currently insufficient to determine the role of this variant in disease. Therefore, it has been classified as a Variant of Uncertain Significance.

Genome-Nilou Lab
Classification: Uncertain significance for Glycogen storage disease, type II. Last evaluated: 2021-09-05. Review status: criteria provided, single submitter. Criteria: ACMG Guidelines, 2015. Collection method: clinical testing. Allele origin: germline. Affected: no.

Eurofins Ntd Llc (ga)
Classification: Uncertain significance. Last evaluated: 2016-07-08. Review status: criteria provided, single submitter. Criteria: EGL Classification Definitions 2015. Collection method: clinical testing. Allele origin: germline. Observed: 1 variant allele, 1 heterozygote.

NM_000152.5(GAA):c.1692T>G (p.Phe564Leu)

Gene: GAA (alpha glucosidase; plus strand). Cytogenetic location: 17q25.3.
Variant type: single nucleotide variant.
Coding change: c.1692T>G on transcript NM_000152.5 (MANE Select); coding-DNA position 1692, T replaced by G.
Protein change: p.Phe564Leu; replaces phenylalanine 564 with leucine.
Molecular consequence: missense variant.
Genome position (GRCh38, 1-based): chr17:80,112,038, T>G. VCF-style: chr17-80112038-T-G. GRCh37 (hg19) VCF-style: chr17-78085837-T-G.
Other names: c.1692T>G, p.Phe564Leu (NM_001079803.3, NM_001079804.3); c.1692T>G (LRG_673t1); short protein forms F564L.
Identifiers: ClinVar variation 288763 (VCV000288763.16), dbSNP rs886043997, ClinGen allele CA10606210.